The following is an entry in ClinVar:

NM_006348.5(COG5):c.591T>A (p.Asp197Glu)

Gene: COG5 (component of oligomeric golgi complex 5; minus strand). Cytogenetic location: 7q22.3.
Variant type: single nucleotide variant.
Coding change: c.591T>A on transcript NM_006348.5 (MANE Select); coding-DNA position 591, T replaced by A.
Protein change: p.Asp197Glu; replaces aspartic acid 197 with glutamic acid.
Molecular consequence: missense variant. On other transcripts: intron variant (2).
Genome position (GRCh38, 1-based): chr7:107,412,580, A>T on the plus strand (T>A on the coding strand, the complement: COG5 is on the minus strand). VCF-style: chr7-107412580-A-T. GRCh37 (hg19) VCF-style: chr7-107053025-A-T.
Other names: c.591T>A, p.Asp197Glu (NM_001161520.2, NM_001379511.1, NM_001379512.1 and 3 more transcripts); c.235-50470T>A (NM_001379516.1); c.539-114234T>A (NM_001379515.1); short protein forms D197E.
Identifiers: ClinVar variation 2132144 (VCV002132144.4), dbSNP rs774700875, ClinGen allele CA4431177.

ClinVar aggregate classification (germline): Uncertain significance (1 of 4 stars; one submission).

Conditions:
COG5-congenital disorder of glycosylation. Also called: COG5-CDG; CDG IIi; CONGENITAL DISORDER OF GLYCOSYLATION, TYPE IIi. Identifiers: Orphanet 263487, MedGen C3150876, MONDO:0013325, OMIM 613612.

Allele frequency attached by ClinVar (database versions not stated): ExAC 0.00001.
gnomAD v4.1: 15 of 1,594,414 alleles (0.00094%); highest among the groups gnomAD compares: Non-Finnish European, 0.0013%; no homozygotes.

Submission:

Labcorp Genetics (formerly Invitae), Labcorp
Classification: Uncertain significance for COG5-congenital disorder of glycosylation. Last evaluated: 2022-11-29. Review status: criteria provided, single submitter. Criteria: Invitae Variant Classification Sherloc (09022015). Collection method: clinical testing. Allele origin: germline.
Comment: This sequence change replaces aspartic acid, which is acidic and polar, with glutamic acid, which is acidic and polar, at codon 228 of the COG5 protein (p.Asp228Glu). This variant is present in population databases (rs774700875, gnomAD 0.002%). This variant has not been reported in the literature in individuals affected with COG5-related conditions. Algorithms developed to predict the effect of missense changes on protein structure and function (SIFT, PolyPhen-2, Align-GVGD) all suggest that this variant is likely to be tolerated. In summary, the available evidence is currently insufficient to determine the role of this variant in disease. Therefore, it has been classified as a Variant of Uncertain Significance.